The following is an entry in ClinVar:

ClinVar aggregate classification (germline): Uncertain significance (1 of 4 stars; one submission).

Conditions:
Long QT syndrome (LQTS). Identifiers: MedGen C0023976, MeSH D008133, MONDO:0002442. Disease mechanism: loss of function. Inheritance: Various modes of inheritance.

Allele frequency attached by ClinVar (database versions not stated): ExAC 0.00002.
gnomAD v4.1: 1 of 1,597,290 alleles (0.000063%); highest among the groups gnomAD compares: South Asian, 0.0011%; no homozygotes.

Submission:

Labcorp Genetics (formerly Invitae), Labcorp
Classification: Uncertain significance for Long QT syndrome. Last evaluated: 2022-05-01. Review status: criteria provided, single submitter. Criteria: Invitae Variant Classification Sherloc (09022015). Collection method: clinical testing. Allele origin: germline.
Comment: In summary, the available evidence is currently insufficient to determine the role of this variant in disease. Therefore, it has been classified as a Variant of Uncertain Significance. Algorithms developed to predict the effect of missense changes on protein structure and function are either unavailable or do not agree on the potential impact of this missense change (SIFT: "Deleterious"; PolyPhen-2: "Possibly Damaging"; Align-GVGD: "Class C0"). This variant has not been reported in the literature in individuals affected with KCNQ1-related conditions. This variant is present in population databases (rs759092695, gnomAD 0.003%). This sequence change replaces proline, which is neutral and non-polar, with threonine, which is neutral and polar, at codon 89 of the KCNQ1 protein (p.Pro89Thr).

NM_000218.3(KCNQ1):c.265C>A (p.Pro89Thr)

Gene: KCNQ1 (potassium voltage-gated channel subfamily Q member 1; plus strand). Cytogenetic location: 11p15.5.
Variant type: single nucleotide variant.
Coding change: c.265C>A on transcript NM_000218.3 (MANE Select); coding-DNA position 265, C replaced by A.
Protein change: p.Pro89Thr; replaces proline 89 with threonine.
Molecular consequence: missense variant.
Genome position (GRCh38, 1-based): chr11:2,445,363, C>A. VCF-style: chr11-2445363-C-A. GRCh37 (hg19) VCF-style: chr11-2466593-C-A.
Other names: c.265C>A, p.Pro89Thr (NM_001406836.1, NM_001406838.1); c.-98C>A (NM_001406837.1); short protein forms P89T.
Identifiers: ClinVar variation 1966738 (VCV001966738.5), dbSNP rs759092695, ClinGen allele CA034689.
Genomic context (GRCh38, chr11:2,445,363, plus strand): 5'-GCGCCCGCCGCGCCCCCAGTTGCCTCCGACCTTGGCCCGCGGCCGCCGGTGAGCCTAGAC[C>A]CGCGCGTCTCCATCTACAGCACGCGCCGCCCGGTGTTGGCGCGCACCCACGTCCAGGGCC-3'
Protein context (NP_000209.2, residues 79-99): LGPRPPVSLD[Pro89Thr]RVSIYSTRRP